The following is an entry in ClinVar:

ClinVar aggregate classification (germline): Conflicting classifications of pathogenicity. Review status: criteria provided, conflicting classifications (1 of 4 stars). 3 submissions from 3 submitters: Likely pathogenic (1); Uncertain significance (1). 1 of the submissions does not count toward it. Last evaluated 2022-08-10.

Conditions:
Perlman syndrome (PRLMNS). Identifiers: Orphanet 2849, MedGen C0796113, MONDO:0009965, OMIM 267000.

Allele frequency attached by ClinVar (database versions not stated): gnomAD exomes below 0.00001 and 0.00001; gnomAD 0.00001; TOPMed 0.00001.
gnomAD v4.1: 4 of 1,600,310 alleles (0.00025%); highest among the groups gnomAD compares: Middle Eastern, 0.019%; no homozygotes.

Submissions (3):

GeneDx
Classification: Likely pathogenic. Last evaluated: 2022-08-10. Review status: criteria provided, single submitter. Criteria: GeneDx Variant Classification Process June 2021. Collection method: clinical testing. Allele origin: germline. Affected: yes.
Comment: Previously reported in an individual with Perlman syndrome; however a second pathogenic variant was not identified (Astiti et al., 2012); In vitro functional study shows that variant c.2394+5G>A results in exon skipping due to the loss of canonical SDS of intron 19 (Astuti et al., 2012); Not observed at significant frequency in large population cohorts (gnomAD); This variant is associated with the following publications: (PMID: 22306653, 28328139, 6093533)

Labcorp Genetics (formerly Invitae), Labcorp
Classification: Uncertain significance for Perlman syndrome. Last evaluated: 2022-03-18. Review status: criteria provided, single submitter. Criteria: Invitae Variant Classification Sherloc (09022015). Collection method: clinical testing. Allele origin: germline.
Comment: This sequence change falls in intron 19 of the DIS3L2 gene. It does not directly change the encoded amino acid sequence of the DIS3L2 protein. RNA analysis indicates that this variant induces altered splicing and likely results in a shortened protein product. This variant is present in population databases (no rsID available, gnomAD 0.001%). This variant has been observed in individual(s) with Perlman syndrome (PMID: 22306653). ClinVar contains an entry for this variant (Variation ID: 31126). Variants that disrupt the consensus splice site are a relatively common cause of aberrant splicing (PMID: 17576681, 9536098). Studies have shown that this variant results in skipping of exon 19, but is expected to preserve the integrity of the reading-frame (PMID: 22306653). In summary, the available evidence is currently insufficient to determine the role of this variant in disease. Therefore, it has been classified as a Variant of Uncertain Significance.

OMIM
Classification: Pathogenic for PERLMAN SYNDROME. Last evaluated: 2012-02-05. Review status: no assertion criteria provided. Collection method: literature only. Allele origin: germline. Not counted in ClinVar's aggregate classification.

Literature cited by the submitters: PubMed 22306653 (cited by Labcorp Genetics (formerly Invitae), Labcorp and OMIM); PubMed 17576681 (cited by Labcorp Genetics (formerly Invitae), Labcorp); PubMed 9536098 (cited by Labcorp Genetics (formerly Invitae), Labcorp); PubMed 6093533 (cited by OMIM).

NM_152383.5(DIS3L2):c.2394+5G>A

Gene: DIS3L2 (DIS3 like 3'-5' exoribonuclease 2; plus strand). Cytogenetic location: 2q37.1.
Variant type: single nucleotide variant.
Coding change: c.2394+5G>A on transcript NM_152383.5 (MANE Select); 5 bases into the intron after coding-DNA position 2394, G replaced by A.
Molecular consequence: intron variant.
Genome position (GRCh38, 1-based): chr2:232,334,740, G>A. VCF-style: chr2-232334740-G-A. GRCh37 (hg19) VCF-style: chr2-233199450-G-A.
Other names: IVS19, G-A, +5; c.1582-8605G>A (NM_001257281.2).
Identifiers: ClinVar variation 31126 (VCV000031126.9), dbSNP rs1489037110, ClinGen allele CA539982727.